The following is an entry in ClinVar:

NC_000015.9:g.(?_72640007)_(72643595_?)dup

Gene: HEXA (hexosaminidase subunit alpha; minus strand). Cytogenetic location: 15q23.
Variant type: Duplication.
Identifiers: ClinVar variation 647955 (VCV000647955.6).

ClinVar aggregate classification (germline): Uncertain significance (1 of 4 stars; one submission).

Conditions:
Tay-Sachs disease (TSD). Also called: GM2 gangliosidosis, type 1; Hexosaminidase alpha-subunit deficiency (variant B); Sphingolipidosis, Tay-Sachs; Hexosaminidase A Deficiency; HEXA Disorders; HEXA DEFICIENCY. Identifiers: Orphanet 845, MedGen C0039373, MONDO:0010100, OMIM 272800.

Submission:

Labcorp Genetics (formerly Invitae), Labcorp
Classification: Uncertain significance for Tay-Sachs disease. Last evaluated: 2021-07-08. Review status: criteria provided, single submitter. Criteria: Invitae Variant Classification Sherloc (09022015). Collection method: clinical testing. Allele origin: germline.
Comment: In summary, the available evidence is currently insufficient to determine the role of this variant in disease. Therefore, it has been classified as a Variant of Uncertain Significance. A similar copy number variant has been observed in individual(s) with Tay-Sachs disease (Invitae). In at least one individual the data is consistent with the variant being in trans (on the opposite chromosome) from a pathogenic variant. This variant results in a copy number gain of the genomic region encompassing exon(s) 6-10 of the HEXA gene. While the exact position of this variant cannot be determined from the data, sub-genic copy number gains are generally in tandem (PMID: 25640679). This variant is predicted to be in-frame, and likely preserves the integrity of the reading frame.

Literature cited by the submitters: PubMed 25640679.